The following is an entry in ClinVar:

ClinVar aggregate classification (germline): Uncertain significance (1 of 4 stars; one submission).

Conditions:
Ataxia-telangiectasia syndrome (AT). Also called: Ataxia-telangiectasia, complementation group D; AT, COMPLEMENTATION GROUP C; ATAXIA-TELANGIECTASIA, COMPLEMENTATION GROUP A; ATAXIA-TELANGIECTASIA, FRESNO VARIANT; Ataxia-telangiectasia, complementation group E; LOUIS-BAR SYNDROME. Identifiers: Orphanet 100, MedGen C0004135, MONDO:0008840, OMIM 208900.

Submission:

Labcorp Genetics (formerly Invitae), Labcorp
Classification: Uncertain significance for Ataxia-telangiectasia syndrome. Last evaluated: 2022-10-26. Review status: criteria provided, single submitter. Criteria: Invitae Variant Classification Sherloc (09022015). Collection method: clinical testing. Allele origin: germline.
Comment: This variant has not been reported in the literature in individuals affected with ATM-related conditions. This sequence change replaces lysine, which is basic and polar, with glutamine, which is neutral and polar, at codon 3018 of the ATM protein (p.Lys3018Gln). This variant is not present in population databases (gnomAD no frequency). Algorithms developed to predict the effect of missense changes on protein structure and function (SIFT, PolyPhen-2, Align-GVGD) all suggest that this variant is likely to be tolerated. In summary, the available evidence is currently insufficient to determine the role of this variant in disease. Therefore, it has been classified as a Variant of Uncertain Significance.

NM_000051.4(ATM):c.9052A>C (p.Lys3018Gln)

Genes: C11orf65 (chromosome 11 open reading frame 65; minus strand), ATM (ATM serine/threonine kinase; plus strand). Cytogenetic location: 11q22.3.
Variant type: single nucleotide variant.
Coding change: c.9052A>C on transcript NM_000051.4 (MANE Select); coding-DNA position 9052, A replaced by C.
Protein change: p.Lys3018Gln; replaces lysine 3018 with glutamine.
Molecular consequence: missense variant. On other transcripts: intron variant (2).
Genome position (GRCh38, 1-based): chr11:108,365,389, A>C. VCF-style: chr11-108365389-A-C. GRCh37 (hg19) VCF-style: chr11-108236116-A-C.
Other names: c.9052A>C, p.Lys3018Gln (NM_001351834.2); c.640+20531T>G (NM_001330368.2); c.694+20531T>G (NM_001351110.2); short protein forms K3018Q.
Identifiers: ClinVar variation 1948106 (VCV001948106.4), dbSNP rs2091243577, ClinGen allele CA382531497.
Genomic context (GRCh38, chr11:108,365,389, plus strand): 5'-ATTGACCAGAGTTTCAACAAAGTAGCTGAACGTGTCTTAATGAGACTACAAGAGAAACTG[A>C]AAGGAGTGGAAGAAGGCACTGTGCTCAGTGTTGGTGGACAAGTGAATTTGCTCATACAGC-3'
Protein context (NP_000042.3, residues 3008-3028): RVLMRLQEKL[Lys3018Gln]GVEEGTVLSV